The following is an entry in ClinVar:

ClinVar aggregate classification (germline): Uncertain significance. Review status: criteria provided, multiple submitters, no conflicts (2 of 4 stars). 2 submissions from 2 submitters: Uncertain significance (2). Last evaluated 2024-05-17.

Conditions:
Congenital myotonia, autosomal dominant form (THD). Also called: THOMSEN DISEASE; Myotonia congenita autosomal dominant. Identifiers: Orphanet 614, MedGen C2936781, MONDO:0008055, OMIM 160800.
Congenital myotonia, autosomal recessive form. Also called: BECKER DISEASE; Becker Generalized Myotonia; myotonia congenita, autosomal recessive. Identifiers: Orphanet 614, MedGen C0751360, MONDO:0009715, OMIM 255700.

Allele frequency attached by ClinVar (database versions not stated): gnomAD exomes below 0.00001; TOPMed 0.00001; gnomAD 0.00002.
gnomAD v4.1: 4 of 1,540,180 alleles (0.00026%); highest among the groups gnomAD compares: Admixed American, 0.0059%; no homozygotes.

Submissions (2):

Blueprint Genetics
Classification: Uncertain significance. Last evaluated: 2024-05-17. Review status: criteria provided, single submitter. Criteria: ACMG Guidelines, 2015. Collection method: clinical testing. Allele origin: germline.

Labcorp Genetics (formerly Invitae), Labcorp
Classification: Uncertain significance for Congenital myotonia, autosomal recessive form; Congenital myotonia, autosomal dominant form. Last evaluated: 2022-08-15. Review status: criteria provided, single submitter. Criteria: Invitae Variant Classification Sherloc (09022015). Collection method: clinical testing. Allele origin: germline.
Comment: This sequence change replaces valine, which is neutral and non-polar, with alanine, which is neutral and non-polar, at codon 652 of the CLCN1 protein (p.Val652Ala). This variant is not present in population databases (gnomAD no frequency). This variant has not been reported in the literature in individuals affected with CLCN1-related conditions. ClinVar contains an entry for this variant (Variation ID: 1494015). Advanced modeling of protein sequence and biophysical properties (such as structural, functional, and spatial information, amino acid conservation, physicochemical variation, residue mobility, and thermodynamic stability) performed at Invitae indicates that this missense variant is expected to disrupt CLCN1 protein function. In summary, the available evidence is currently insufficient to determine the role of this variant in disease. Therefore, it has been classified as a Variant of Uncertain Significance.

NM_000083.3(CLCN1):c.1955T>C (p.Val652Ala)

Genes: CLCN1 (chloride voltage-gated channel 1; plus strand), LOC123956257 (Sharpr-MPRA regulatory region 4117; plus strand). Cytogenetic location: 7q34.
Variant type: single nucleotide variant.
Coding change: c.1955T>C on transcript NM_000083.3 (MANE Select); coding-DNA position 1955, T replaced by C.
Protein change: p.Val652Ala; replaces valine 652 with alanine.
Molecular consequence: missense variant. On other transcripts: non-coding transcript variant (1).
Genome position (GRCh38, 1-based): chr7:143,345,545, T>C. VCF-style: chr7-143345545-T-C. GRCh37 (hg19) VCF-style: chr7-143042638-T-C.
Other names: short protein forms V652A.
Identifiers: ClinVar variation 1494015 (VCV001494015.6), dbSNP rs1803209631, ClinGen allele CA369649442.